The following is an entry in ClinVar:

NM_001364905.1(LRBA):c.3894T>G (p.Asp1298Glu)

Gene: LRBA (LPS responsive beige-like anchor protein; minus strand). Cytogenetic location: 4q31.3.
Variant type: single nucleotide variant.
Coding change: c.3894T>G on transcript NM_001364905.1 (MANE Select); coding-DNA position 3894, T replaced by G.
Protein change: p.Asp1298Glu; replaces aspartic acid 1298 with glutamic acid.
Molecular consequence: missense variant.
Genome position (GRCh38, 1-based): chr4:150,850,834, A>C on the plus strand (T>G on the coding strand, the complement: LRBA is on the minus strand). VCF-style: chr4-150850834-A-C. GRCh37 (hg19) VCF-style: chr4-151771986-A-C.
Other names: c.3894T>G, p.Asp1298Glu (NM_006726.5, NM_001199282.3, NM_001367550.1); short protein forms D1298E.
Identifiers: ClinVar variation 3603686 (VCV003603686.2).

ClinVar aggregate classification (germline): Uncertain significance (1 of 4 stars; one submission).

Conditions:
Combined immunodeficiency due to LRBA deficiency. Also called: Common variable immunodeficiency 8, with autoimmunity. Identifiers: Orphanet 445018, MedGen C3553512, MONDO:0013863, OMIM 614700.

gnomAD v4.1: 7 of 1,613,836 alleles (0.00043%); highest among the groups gnomAD compares: Non-Finnish European, 0.00059%; no homozygotes.

Submission:

Labcorp Genetics (formerly Invitae), Labcorp
Classification: Uncertain significance for Combined immunodeficiency due to LRBA deficiency. Last evaluated: 2025-05-12. Review status: criteria provided, single submitter. Criteria: Invitae Variant Classification Sherloc (09022015). Collection method: clinical testing. Allele origin: germline.
Comment: This sequence change replaces aspartic acid, which is acidic and polar, with glutamic acid, which is acidic and polar, at codon 1298 of the LRBA protein (p.Asp1298Glu). This variant is present in population databases (no rsID available, gnomAD 0.002%). This variant has not been reported in the literature in individuals affected with LRBA-related conditions. ClinVar contains an entry for this variant (Variation ID: 3603686). Invitae Evidence Modeling of protein sequence and biophysical properties (such as structural, functional, and spatial information, amino acid conservation, physicochemical variation, residue mobility, and thermodynamic stability) indicates that this missense variant is not expected to disrupt LRBA protein function with a negative predictive value of 80%. In summary, the available evidence is currently insufficient to determine the role of this variant in disease. Therefore, it has been classified as a Variant of Uncertain Significance.